The following is an entry in ClinVar:

ClinVar aggregate classification (germline): Conflicting classifications of pathogenicity. Review status: criteria provided, conflicting classifications (1 of 4 stars). 2 submissions from 2 submitters: Pathogenic (1); Uncertain significance (1). Last evaluated 2023-01-01.

Conditions:
Autosomal recessive bestrophinopathy. Also called: Autosomal Recessive Bestrophinopathy (ARB). Identifiers: Orphanet 139455, MedGen C3888198, MONDO:0012733, OMIM 611809.

Submissions (2):

DBGen Ocular Genomics
Classification: Pathogenic for Autosomal recessive bestrophinopathy. Last evaluated: 2023-01-01. Review status: criteria provided, single submitter. Criteria: ACMG Guidelines, 2015. Collection method: clinical testing. Allele origin: unknown. Inheritance: Autosomal dominant inheritance. Affected: yes.
Comment: Class 5 ACMG Guidelines, 2015 (PMID:25741868)

Labcorp Genetics (formerly Invitae), Labcorp
Classification: Uncertain significance. Last evaluated: 2022-09-07. Review status: criteria provided, single submitter. Criteria: Invitae Variant Classification Sherloc (09022015). Collection method: clinical testing. Allele origin: germline.
Comment: In summary, the available evidence is currently insufficient to determine the role of this variant in disease. Therefore, it has been classified as a Variant of Uncertain Significance. Advanced modeling of protein sequence and biophysical properties (such as structural, functional, and spatial information, amino acid conservation, physicochemical variation, residue mobility, and thermodynamic stability) performed at Invitae indicates that this missense variant is expected to disrupt BEST1 protein function. This variant has not been reported in the literature in individuals affected with BEST1-related conditions. This variant is not present in population databases (gnomAD no frequency). This sequence change replaces serine, which is neutral and polar, with glycine, which is neutral and non-polar, at codon 231 of the BEST1 protein (p.Ser231Gly).

NM_004183.4(BEST1):c.691A>G (p.Ser231Gly)

Gene: BEST1 (bestrophin 1; plus strand). Cytogenetic location: 11q12.3.
Variant type: single nucleotide variant.
Coding change: c.691A>G on transcript NM_004183.4 (MANE Select); coding-DNA position 691, A replaced by G.
Protein change: p.Ser231Gly; replaces serine 231 with glycine.
Molecular consequence: missense variant. On other transcripts: non-coding transcript variant (1).
Genome position (GRCh38, 1-based): chr11:61,957,441, A>G. VCF-style: chr11-61957441-A-G. GRCh37 (hg19) VCF-style: chr11-61724913-A-G.
Other names: c.511A>G, p.Ser171Gly (NM_001139443.3, NM_001300786.2, NM_001300787.2); c.373A>G, p.Ser125Gly (NM_001363591.3); c.691A>G, p.Ser231Gly (NM_001363592.2); c.-485A>G (NM_001363593.3); short protein forms S125G, S171G, S231G.
Identifiers: ClinVar variation 1719023 (VCV001719023.7), dbSNP rs2541377668, ClinGen allele CA380838800.
Genomic context (GRCh38, chr11:61,957,441, plus strand): 5'-CCCCAGGAGATGAACACCTTGCGTACTCAGTGTGGACACCTGTATGCCTACGACTGGATT[A>G]GTATCCCACTGGTGTATACACAGGTGAGGACTAGGCTGGTGAGGCTGCCCTTTTGGGAAA-3'
Protein context (NP_004174.1, residues 221-241): CGHLYAYDWI[Ser231Gly]IPLVYTQVVT